The following is an entry in ClinVar:

NM_139276.3(STAT3):c.319C>T (p.Arg107Trp)

Gene: STAT3 (signal transducer and activator of transcription 3; minus strand). Cytogenetic location: 17q21.2.
Variant type: single nucleotide variant.
Coding change: c.319C>T on transcript NM_139276.3 (MANE Select); coding-DNA position 319, C replaced by T.
Protein change: p.Arg107Trp; replaces arginine 107 with tryptophan.
Molecular consequence: missense variant. On other transcripts: intron variant (1).
Genome position (GRCh38, 1-based): chr17:42,345,612, G>A on the plus strand (C>T on the coding strand, the complement: STAT3 is on the minus strand). VCF-style: chr17-42345612-G-A. GRCh37 (hg19) VCF-style: chr17-40497630-G-A.
Other names: c.319C>T, p.Arg107Trp (NM_001384987.1, NM_001384988.1, NM_001384989.1 and 16 more transcripts); c.274-33C>T (NM_001384985.1); c.319C>T (NM_139276.2); short protein forms R107W.
Identifiers: ClinVar variation 1386465 (VCV001386465.7), dbSNP rs2082662047, ClinGen allele CA399596557.

ClinVar aggregate classification (germline): Uncertain significance. Review status: criteria provided, multiple submitters, no conflicts (2 of 4 stars). 2 submissions from 2 submitters: Uncertain significance (2). Last evaluated 2025-04-10.

Conditions:
STAT3 gain of function. Identifiers: MedGen C4288261.
Hyper-IgE recurrent infection syndrome 1, autosomal dominant. Also called: HYPER-IgE SYNDROME 1, AUTOSOMAL DOMINANT, WITH RECURRENT INFECTIONS; JOB SYNDROME; Job's Syndrome; STAT3 Hyper IgE Syndrome; Hyper-IgE recurrent infection syndrome 1. Identifiers: Orphanet 2314, MedGen C2936739, MONDO:0007818, OMIM 147060.
Inborn genetic diseases. Identifiers: MedGen C0950123, MeSH D030342.

Allele frequency attached by ClinVar (database versions not stated): gnomAD 0.00001.
gnomAD v4.1: 2 of 1,608,524 alleles (0.00012%); highest among the groups gnomAD compares: African/African-American, 0.0013%; no homozygotes.

Submissions (2):

Ambry Genetics
Classification: Uncertain significance for Inborn genetic diseases. Last evaluated: 2025-04-10. Review status: criteria provided, single submitter. Criteria: Ambry Variant Classification Scheme 2023. Collection method: clinical testing. Allele origin: germline.
Comment: The c.319C>T (p.R107W) alteration is located in exon 4 (coding exon 3) of the STAT3 gene. This alteration results from a C to T substitution at nucleotide position 319, causing the arginine (R) at amino acid position 107 to be replaced by a tryptophan (W). This variant was not reported in population-based cohorts in the Genome Aggregation Database (gnomAD). This variant was reported in individual(s) with features consistent with STAT3-related infantile-onset multisystem autoimmune disease (Christiansen, 2019; Leiding, 2023). Another variant at the same codon, c.320G>A (p.R107Q), has been identified in individual(s) with features consistent with STAT3-related infantile-onset multisystem autoimmune disease (J&auml;gle, 2020). This amino acid position is highly conserved in available vertebrate species. This missense alteration is located in a region that has a low rate of benign missense variation (Lek, 2016; Firth, 2009). The p.R107W amino acid is located in the N-terminal domain (Christiansen, 2019). This alteration is predicted to be deleterious by in silico analysis. Based on insufficient or conflicting evidence, the clinical significance of this alteration remains unclear.

Labcorp Genetics (formerly Invitae), Labcorp
Classification: Uncertain significance for STAT3 gain of function; Hyper-IgE recurrent infection syndrome 1, autosomal dominant. Last evaluated: 2021-11-13. Review status: criteria provided, single submitter. Criteria: Invitae Variant Classification Sherloc (09022015). Collection method: clinical testing. Allele origin: germline.
Comment: In summary, the available evidence is currently insufficient to determine the role of this variant in disease. Therefore, it has been classified as a Variant of Uncertain Significance. Advanced modeling of protein sequence and biophysical properties (such as structural, functional, and spatial information, amino acid conservation, physicochemical variation, residue mobility, and thermodynamic stability) performed at Invitae indicates that this missense variant is not expected to disrupt STAT3 protein function. This missense change has been observed in individual(s) with common variable immunodeficiency (PMID: 32047491). This variant is not present in population databases (gnomAD no frequency). This sequence change replaces arginine, which is basic and polar, with tryptophan, which is neutral and slightly polar, at codon 107 of the STAT3 protein (p.Arg107Trp).

Literature cited by the submitters: PubMed 31770611 (cited by Ambry Genetics); PubMed 32047491 (cited by Ambry Genetics and Labcorp Genetics (formerly Invitae), Labcorp); PubMed 36228738 (cited by Ambry Genetics).